The following is an entry in ClinVar:

NM_000169.3(GLA):c.1072_1074del (p.Glu358del)

Genes: RPL36A-HNRNPH2 (RPL36A-HNRNPH2 readthrough; plus strand), GLA (galactosidase alpha; minus strand). Cytogenetic location: Xq22.1.
Variant type: Deletion.
Coding change: c.1072_1074del on transcript NM_000169.3 (MANE Select); coding-DNA positions 1072 to 1074, 3 bases deleted (GAG; older notation c.1072_1074delGAG).
Protein change: p.Glu358del; deletes glutamic acid 358.
Molecular consequence: inframe deletion. On other transcripts: inframe indel (2), non-coding transcript variant (3), intron variant (2).
Genome position (GRCh38, 1-based): chrX:101,398,025-101,398,027, CTC deleted on the plus strand (GAG on the coding strand, the reverse complement: GLA is on the minus strand); deleting any 3 consecutive bases within chrX:101,398,025-101,398,029 gives the same sequence; the c. name uses the placement nearest the transcript's 3' end. VCF-style (leftmost placement, unchanged base first): chrX-101398024-TCTC-T. GRCh37 (hg19) VCF-style: chrX-100653012-TCTC-T.
Other names: c.1070_1072delAGG, p.Glu358del (NM_000169.2); c.1195_1197del, p.Glu399del (NM_001406747.1); c.300+2570_300+2572del (NM_001199973.2); c.177+6205_177+6207del (NM_001199974.2); c.1072_1074delGAG (NM_000169.2); short protein forms E358del, E399del.
Identifiers: ClinVar variation 180844 (VCV000180844.31), dbSNP rs730880453, ClinGen allele CA021346.

ClinVar aggregate classification (germline): Pathogenic. Review status: criteria provided, multiple submitters, no conflicts (2 of 4 stars). 10 submissions from 10 submitters: Pathogenic (10). Last evaluated 2026-09-08.

Conditions:
GLA-related disorder. Also called: GLA-related condition.
Fabry disease. Also called: Angiokeratoma corporis diffusum; Fabry's disease; ALPHA-GALACTOSIDASE A DEFICIENCY; ANDERSON-FABRY DISEASE; CERAMIDE TRIHEXOSIDASE DEFICIENCY; GLA DEFICIENCY. Identifiers: Orphanet 324, MedGen C0002986, MONDO:0010526, OMIM 301500, HP:0001071. Disease mechanism: Fabry disease is due to inactivating mutations in the X-linked GLA gene resulting in deficiency of the enzyme Alpha Galactosidase-A., loss of function.

Submissions (10):

Genomenon, Inc
Classification: Pathogenic for Fabry disease. Last evaluated: 2026-09-08. Review status: criteria provided, single submitter. Criteria: Genomenon Sequence Variant Interpretation Standards - Updated. Collection method: curation. Allele origin: germline. Affected: yes.
Comment: GLA p.Glu358del (c.1072_1074del) is an in-frame deletion that results in the loss of Glutamic acid at codon 358. This variant has been observed in at least one proband with clinical features consistent with Fabry disease (PMID:15339079;30468909;18154965;32843101;30739116;12175777;15712228;34356073). The variant was found to segregate with disease in at least one affected family (PMID:15339079;30468909;18154965;30739116). A de novo occurrence of this variant has been observed in at least one affected individual (PMID:32843101). At least one functional study has demonstrated a substantial alteration in protein function relative to the wild-type (PMID:27657681). It is absent or not present at a significant frequency in gnomAD. In conclusion, we classify GLA p.Glu358del (c.1072_1074del) as a pathogenic variant.

Serv. Biochemistry and Molecular genetics, Hospital Clinic de Barcelona, Hospital Clínic de Barcelona
Classification: Pathogenic for Fabry disease. Last evaluated: 2026-05-21. Review status: criteria provided, single submitter. Criteria: ACMG Guidelines, 2015. Collection method: clinical testing. Allele origin: germline. Inheritance: X-linked inheritance. Affected: yes. Observed: 2 variant alleles.
Comment: Classification reported in the manuscript using ACMG criteria/in silico tools: Pathogenic. Variant type: Deletion; amino acid change: p.Glu358del. Criteria: PM1, PM2, PM4, PM5, PS1, PS3, PS4,

Revvity Omics, Revvity
Classification: Pathogenic. Last evaluated: 2025-05-30. Review status: criteria provided, single submitter. Criteria: ACMG Guidelines, 2015. Collection method: clinical testing. Allele origin: germline.

PreventionGenetics, part of Exact Sciences
Classification: Pathogenic for GLA-related condition. Last evaluated: 2025-04-27. Review status: criteria provided, single submitter. Criteria: ACMG Guidelines, 2015. Collection method: clinical testing. Allele origin: germline.
Comment: The GLA c.1072_1074delGAG variant is predicted to result in an in-frame deletion (p.Glu358del). This variant was reported in multiple individuals with Fabry disease (Blanch et al. 1996. PubMed ID: 8807334; Wu et al. 2004. PubMed ID: 15339079; Uribe et al. 2015. PubMed ID: 26297554; Sawada et al. 2020. PubMed ID: 31956509; Hongo et al. 2020. PubMed ID: 32714835; Dutra-Clarke et al. 2020. PubMed ID: 33437642; Shin et al. 2008. PubMed ID: 18698230; Monserrat et al. 2007. PubMed ID: 18154965; Schäfer et al 2005. PubMed ID: 15776423). Alpha-galactosidase A activity was shown to be 2% and 12% of normal enzymatic activity when measured in patient's lymphocytes and plasma, respectively (Shin et al. 2008. PubMed ID: 18698230; Monserrat et al. 2007. PubMed ID: 18154965). This variant has not been reported in a large population database (gnomAD), indicating this variant is rare. This variant is interpreted as pathogenic.

Labcorp Genetics (formerly Invitae), Labcorp
Classification: Pathogenic for Fabry disease. Last evaluated: 2025-03-13. Review status: criteria provided, single submitter. Criteria: Invitae Variant Classification Sherloc (09022015). Collection method: clinical testing. Allele origin: germline.
Comment: This variant, c.1072_1074del, results in the deletion of 1 amino acid(s) of the GLA protein (p.Glu358del), but otherwise preserves the integrity of the reading frame. This variant is not present in population databases (gnomAD no frequency). This variant has been observed in individual(s) with Fabry disease (PMID: 8807334, 15339079, 15712228, 15713906, 18154965, 26297554). ClinVar contains an entry for this variant (Variation ID: 180844). Experimental studies and prediction algorithms are not available or were not evaluated, and the functional significance of this variant is currently unknown. This variant disrupts the p.Glu358 amino acid residue in GLA. Other variant(s) that disrupt this residue have been determined to be pathogenic (PMID: 9452068, 12428061, 16595074, 21598360, 24386359, 25382311, 26297554, 26415523). This suggests that this residue is clinically significant, and that variants that disrupt this residue are likely to be disease-causing. For these reasons, this variant has been classified as Pathogenic.

All of Us Research Program, National Institutes of Health
Classification: Pathogenic for Fabry disease. Last evaluated: 2024-07-23. Review status: criteria provided, single submitter. Criteria: ACMG Guidelines, 2015. Collection method: clinical testing. Allele origin: germline. Inheritance: X-linked inheritance. Observed: 1 variant allele, 1 heterozygote.
Comment: This variant has been reported in multiple individuals with Fabry disease (PMID: 8807334, 12175777, 15339079, 15713906, 18154966, 26297554, 30468909, 32161151, 34679477, 34356073, 38002959). This variant is absent from or rare in large population databases, including the Genome Aggregation Database. This variant is predicted to result in an in-frame deletion that will affect a region critical to protein function. This prediction has not been confirmed by functional studies.

This study involves interpretation of variants in research participants for the purpose of population health screening. Participant phenotype was not available at the time of variant classification. Additional details can be found in publication PMID: 35346344, PMCID: PMC8962531

GeneDx
Classification: Pathogenic. Last evaluated: 2023-09-06. Review status: criteria provided, single submitter. Criteria: GeneDx Variant Classification Process June 2021. Collection method: clinical testing. Allele origin: germline. Affected: yes.
Comment: Published functional studies found this variant is associated with significantly reduced enzyme activity (PMID: 27657681); Not observed at significant frequency in large population cohorts (gnomAD); In-frame deletion of 1 amino acid in a non-repeat region; In silico analysis supports a deleterious effect on protein structure/function; This variant is associated with the following publications: (PMID: 18154965, 30116053, 30386727, 12428061, 12512750, 11804208, 15339079, 31956509, 31509825, 28340691, 26415523, 24386359, 21598360, 16595074, 15712228, 26297554, 10666480, 32714835, 32843101, 8807334, 27657681, 33437642, 18698230)

Genome-Nilou Lab
Classification: Pathogenic for Fabry disease. Last evaluated: 2021-07-15. Review status: criteria provided, single submitter. Criteria: ACMG Guidelines, 2015. Collection method: clinical testing. Allele origin: germline. Affected: no.

Women's Health and Genetics/Laboratory Corporation of America, LabCorp
Classification: Pathogenic for Fabry disease. Last evaluated: 2020-11-03. Review status: criteria provided, single submitter. Criteria: LabCorp Variant Classification Summary - May 2015. Collection method: clinical testing. Allele origin: germline.
Comment: Variant summary: GLA c.1072_1074delGAG (p.Glu358del) results in an in-frame deletion that is predicted to remove a Glutamate amino acid from the C-terminal beta-sandwich domain (IPR035373) of the encoded protein. The variant was absent in 183351 control chromosomes (gnomAD). c.1072_1074delGAG has been reported in the literature in multiple individuals affected with Fabry Disease (e.g. Blanch_1996, Topaloglu_1999, Wu_2004, Schafer_2005, Monserrat_2007, Shin_2008, Sawada_2020, Hongo_2020). These data indicate that the variant is very likely to be associated with disease. These publications also reported alpha-galactosidase activity values, and demonstrated significantly reduced GLA activity in both patient derived samples and in in vitro studies, furthermore the enzyme activity was shown to be non-responsive to 1-deoxygalactonojirimycin (DGJ) treatment (Shin_2008). Three other clinical diagnostic laboratories have submitted clinical-significance assessments for this variant to ClinVar after 2014 without evidence for independent evaluation, and all of them classified the variant as pathogenic. Based on the evidence outlined above, the variant was classified as pathogenic.

Eurofins Ntd Llc (ga)
Classification: Pathogenic. Last evaluated: 2017-08-25. Review status: criteria provided, single submitter. Criteria: EGL Classification Definitions 2015. Collection method: clinical testing. Allele origin: germline. Observed: 9 variant alleles, 9 heterozygotes.

Literature cited by the submitters: PubMed 15339079 (cited by 5 submitters); PubMed 30468909 (cited by Genomenon, Inc and All of Us Research Program, National Institutes of Health); PubMed 18154965 (cited by 4 submitters); PubMed 32843101 (cited by Genomenon, Inc); PubMed 30739116 (cited by Genomenon, Inc); PubMed 12175777 (cited by Genomenon, Inc and All of Us Research Program, National Institutes of Health); PubMed 15712228 (cited by Genomenon, Inc and Labcorp Genetics (formerly Invitae), Labcorp); PubMed 34356073 (cited by Genomenon, Inc and All of Us Research Program, National Institutes of Health); PubMed 27657681 (cited by Genomenon, Inc); PubMed 10666480 (cited by Serv. Biochemistry and Molecular genetics, Hospital Clinic de Barcelona, Hospital Clínic de Barcelona and Women's Health and Genetics/Laboratory Corporation of America, LabCorp); PubMed 15776423 (cited by Serv. Biochemistry and Molecular genetics, Hospital Clinic de Barcelona, Hospital Clínic de Barcelona and Women's Health and Genetics/Laboratory Corporation of America, LabCorp); PubMed 18698230 (cited by Serv. Biochemistry and Molecular genetics, Hospital Clinic de Barcelona, Hospital Clínic de Barcelona and Women's Health and Genetics/Laboratory Corporation of America, LabCorp); PubMed 31956509 (cited by Serv. Biochemistry and Molecular genetics, Hospital Clinic de Barcelona, Hospital Clínic de Barcelona and Women's Health and Genetics/Laboratory Corporation of America, LabCorp); PubMed 32714835 (cited by Serv. Biochemistry and Molecular genetics, Hospital Clinic de Barcelona, Hospital Clínic de Barcelona and Women's Health and Genetics/Laboratory Corporation of America, LabCorp); PubMed 8807334 (cited by 5 submitters); PubMed 15713906 (cited by Labcorp Genetics (formerly Invitae), Labcorp and All of Us Research Program, National Institutes of Health); PubMed 26297554 (cited by 3 submitters); PubMed 9452068 (cited by Labcorp Genetics (formerly Invitae), Labcorp); PubMed 12428061 (cited by Labcorp Genetics (formerly Invitae), Labcorp); PubMed 16595074 (cited by Labcorp Genetics (formerly Invitae), Labcorp); PubMed 21598360 (cited by Labcorp Genetics (formerly Invitae), Labcorp); PubMed 24386359 (cited by Labcorp Genetics (formerly Invitae), Labcorp); PubMed 25382311 (cited by Labcorp Genetics (formerly Invitae), Labcorp); PubMed 26415523 (cited by Labcorp Genetics (formerly Invitae), Labcorp); PubMed 18154966 (cited by All of Us Research Program, National Institutes of Health); PubMed 32161151 (cited by All of Us Research Program, National Institutes of Health); PubMed 34679477 (cited by All of Us Research Program, National Institutes of Health); PubMed 38002959 (cited by All of Us Research Program, National Institutes of Health).